The following is an entry in ClinVar:

NM_001199799.2(ILDR1):c.305T>A (p.Val102Glu)

Gene: ILDR1 (immunoglobulin like domain containing receptor 1; minus strand). Cytogenetic location: 3q13.33.
Variant type: single nucleotide variant.
Coding change: c.305T>A on transcript NM_001199799.2 (MANE Select); coding-DNA position 305, T replaced by A.
Protein change: p.Val102Glu; replaces valine 102 with glutamic acid.
Molecular consequence: missense variant.
Genome position (GRCh38, 1-based): chr3:122,005,318, A>T on the plus strand (T>A on the coding strand, the complement: ILDR1 is on the minus strand). VCF-style: chr3-122005318-A-T. GRCh37 (hg19) VCF-style: chr3-121724165-A-T.
Other names: c.305T>A, p.Val102Glu (NM_001199800.2, NM_175924.4); short protein forms V102E.
Identifiers: ClinVar variation 4813855 (VCV004813855.1).

ClinVar aggregate classification (germline): Uncertain significance (1 of 4 stars; one submission).

Conditions:
Autosomal recessive nonsyndromic hearing loss 42. Identifiers: Orphanet 90636, MedGen C1864818, MONDO:0012326, OMIM 609646.

gnomAD v4.1: 1 of 1,607,764 alleles (0.000062%); highest among the groups gnomAD compares: Non-Finnish European, 0.000085%; no homozygotes.

Submission:

Genetics Research Center, University of Social Welfare and Rehabilitation Sciences
Classification: Uncertain significance for Autosomal recessive nonsyndromic hearing loss 42. Review status: criteria provided, single submitter. Criteria: ACMG Guidelines, 2015. Collection method: research. Allele origin: germline. Affected: yes.
Comment: The variant is not present in the gnomAD v2.1.1 dataset and has been previously reported in individual(s) affected with ILDR1-related hearing loss (PMID:26440088, 28945813, 30804975). It has also been observed to segregate with disease in the family. The variant is predicted to be damaging by multiple in-silico prediction tools.

Literature cited by the submitters: PubMed 26440088; PubMed 28945813; PubMed 30804975.